The following is an entry in ClinVar:

ClinVar aggregate classification (germline): Uncertain significance (1 of 4 stars; one submission).

Submission:

GeneDx
Classification: Uncertain significance. Last evaluated: 2023-08-07. Review status: criteria provided, single submitter. Criteria: GeneDx Variant Classification Process June 2021. Collection method: clinical testing. Allele origin: germline. Affected: yes.
Comment: Not observed at significant frequency in large population cohorts (gnomAD); Located in one of the three hot-spot regions of the RYR2 gene, where the majority of pathogenic missense variants occur (Medeiros-Domingo et al., 2009); In silico analysis supports that this missense variant has a deleterious effect on protein structure/function; This variant is associated with the following publications: (PMID: 24025405, 22608700, 19926015, 30403697)

NM_001035.3(RYR2):c.12563T>C (p.Leu4188Pro)

Genes: RYR2 (ryanodine receptor 2; plus strand), LOC126806068 (BRD4-independent group 4 enhancer GRCh37_chr1:237947411-237948610; plus strand). Cytogenetic location: 1q43.
Variant type: single nucleotide variant.
Coding change: c.12563T>C on transcript NM_001035.3 (MANE Select); coding-DNA position 12563, T replaced by C.
Protein change: p.Leu4188Pro; replaces leucine 4188 with proline.
Molecular consequence: missense variant.
Genome position (GRCh38, 1-based): chr1:237,784,275, T>C. VCF-style: chr1-237784275-T-C. GRCh37 (hg19) VCF-style: chr1-237947575-T-C.
Other names: short protein forms L4188P.
Identifiers: ClinVar variation 3338792 (VCV003338792.1).